The following is an entry in ClinVar:

NM_001365088.1(SLC12A6):c.1540A>T (p.Lys514Ter)

Gene: SLC12A6 (solute carrier family 12 member 6; minus strand). Cytogenetic location: 15q14.
Variant type: single nucleotide variant.
Coding change: c.1540A>T on transcript NM_001365088.1 (MANE Select); coding-DNA position 1540, A replaced by T.
Protein change: p.Lys514Ter; replaces lysine 514 with a stop codon.
Molecular consequence: nonsense.
Genome position (GRCh38, 1-based): chr15:34,250,682, T>A on the plus strand (A>T on the coding strand, the complement: SLC12A6 is on the minus strand). VCF-style: chr15-34250682-T-A. GRCh37 (hg19) VCF-style: chr15-34542883-T-A.
Other names: c.1363A>T, p.Lys455Ter (NM_001042495.2, NM_001042494.2); c.1513A>T, p.Lys505Ter (NM_001042496.2); c.1495A>T, p.Lys499Ter (NM_001042497.2); c.1387A>T, p.Lys463Ter (NM_005135.2); c.1540A>T, p.Lys514Ter (NM_133647.2); short protein forms K499*, K505*, K514*, K463*, K455*.
Identifiers: ClinVar variation 2085742 (VCV002085742.4), dbSNP rs2509802539, ClinGen allele CA391605881.

ClinVar aggregate classification (germline): Pathogenic (1 of 4 stars; one submission).

Submission:

Labcorp Genetics (formerly Invitae), Labcorp
Classification: Pathogenic. Last evaluated: 2025-10-01. Review status: criteria provided, single submitter. Criteria: Invitae Variant Classification Sherloc (09022015). Collection method: clinical testing. Allele origin: germline.
Comment: This sequence change creates a premature translational stop signal (p.Lys514*) in the SLC12A6 gene. It is expected to result in an absent or disrupted protein product. Loss-of-function variants in SLC12A6 are known to be pathogenic (PMID: 12368912, 16606917). This variant is not present in population databases (gnomAD no frequency). This variant has not been reported in the literature in individuals affected with SLC12A6-related conditions. ClinVar contains an entry for this variant (Variation ID: 2085742). For these reasons, this variant has been classified as Pathogenic.

Literature cited by the submitters: PubMed 12368912; PubMed 16606917.